The following is an entry in ClinVar:

ClinVar aggregate classification (germline): Benign. Review status: criteria provided, multiple submitters, no conflicts (2 of 4 stars). 2 submissions from 2 submitters: Benign (2). Last evaluated 2026-02-04.

Conditions:
Xeroderma pigmentosum, group C (XPC). Also called: Xeroderma pigmentosum, complementation group C; XERODERMA PIGMENTOSUM III; XP, GROUP C; XPC-Related Xeroderma Pigmentosum. Identifiers: Orphanet 910, MedGen C2752147, MONDO:0010211, OMIM 278720.

Allele frequency attached by ClinVar (database versions not stated): gnomAD 0.00005 and 0.00070; TOPMed 0.00016; gnomAD exomes 0.00126 and 0.00283; 1000 Genomes Project 30x 0.00656; ExAC 0.00666; 1000 Genomes Project 0.00799.
gnomAD v4.1: 1,916 of 1,565,548 alleles (0.12%); highest among the groups gnomAD compares: South Asian, 2.1%; 36 homozygotes.

Submissions (4):

Labcorp Genetics (formerly Invitae), Labcorp
Classification: Benign. Last evaluated: 2026-02-04. Review status: criteria provided, single submitter. Criteria: Invitae Variant Classification Sherloc (09022015). Collection method: clinical testing. Allele origin: germline.

Illumina Laboratory Services, Illumina
Classification: Benign for Xeroderma pigmentosum, group C. Last evaluated: 2018-01-13. Review status: criteria provided, single submitter. Criteria: ICSL Variant Classification Criteria 13 December 2019. Collection method: clinical testing. Allele origin: germline.
Comment: This variant was observed in the ICSL laboratory as part of a predisposition screen in an ostensibly healthy population. It had not been previously curated by ICSL or reported in the Human Gene Mutation Database (HGMD: prior to June 1st, 2018), and was therefore a candidate for classification through an automated scoring system. Utilizing variant allele frequency, disease prevalence and penetrance estimates, and inheritance mode, an automated score was calculated to assess if this variant is too frequent to cause the disease. Based on the score and internal cut-off values, a variant classified as benign is not then subjected to further curation. The score for this variant resulted in a classification of benign for this disease.

Dr. Peter K. Rogan Lab, Western University
No classification provided (evidence only). Condition: Familial cancer of breast. Review status: no classification provided. Collection method: in vitro. Allele origin: not applicable. Functional consequence: retained intron. Not counted in ClinVar's aggregate classification.

Dr. Peter K. Rogan Lab, Western University
No classification provided (evidence only). Condition: Ovarian cancer. Review status: no classification provided. Collection method: in vitro. Allele origin: not applicable. Functional consequence: retained intron. Not counted in ClinVar's aggregate classification.

NM_004628.5(XPC):c.2421-11T>C

Gene: XPC (XPC complex subunit, DNA damage recognition and repair factor; minus strand). Cytogenetic location: 3p25.1.
Variant type: single nucleotide variant.
Coding change: c.2421-11T>C on transcript NM_004628.5 (MANE Select); 11 bases into the intron before coding-DNA position 2421, T replaced by C.
Molecular consequence: intron variant.
Genome position (GRCh38, 1-based): chr3:14,148,012, A>G on the plus strand (T>C on the coding strand, the complement: XPC is on the minus strand). VCF-style: chr3-14148012-A-G. GRCh37 (hg19) VCF-style: chr3-14189512-A-G.
Other names: c.2403-11T>C (NM_001354729.2); c.1842-11T>C (NM_001354726.2); c.2175-11T>C (NM_001354730.2); c.2415-11T>C (NM_001354727.2).
Identifiers: ClinVar variation 343564 (VCV000343564.11), dbSNP rs3731167, ClinGen allele CA2267139.
Genomic context (GRCh38, chr3:14,148,012, plus strand): 5'-CAGTCAGGAGCACGTCTTTGAATTCCTCGCAGACGATGTATCCATCAGTCCTGTGGGGAC[A>G]CAACGCGATGTCAACCCTCGAACCTGCTGCCTGCTCTGCCTCTCCTCCCTCCCCAGTTTG-3'